The following is an entry in ClinVar:

ClinVar aggregate classification (germline): Pathogenic. Review status: criteria provided, multiple submitters, no conflicts (2 of 4 stars). 43 submissions from 38 submitters: Pathogenic (34). 9 of the submissions do not count toward it. Last evaluated 2026-06-03.

Conditions:
Rare genetic deafness. Identifiers: Orphanet 96210, MedGen C5680250.
Usher syndrome. Also called: Usher's syndrome; Usher Syndromes. Identifiers: Orphanet 886, MedGen CN469326, MeSH D052245, MONDO:0019501. Disease mechanism: loss of function.
Monogenic hearing loss.
Retinal disorder. Also called: Retinopathies; Retinal Diseases; Retinal disorders; Retinopathy. Identifiers: MedGen C0035309, MONDO:0005283, HP:0000488.
Usher syndrome type 3A (USH3A). Also called: USHER SYNDROME, TYPE IIIA. Identifiers: MedGen C5779850, MONDO:0010170, OMIM 276902.
USH2A-related disorder. Also called: USH2A-related disorders; USH2A-related condition. Identifiers: MedGen CN239332.
Usher syndrome type 2. Also called: Usher Syndrome Type II. Identifiers: Orphanet 231178, MedGen C0339534, MONDO:0016484.
Retinal dystrophy. Also called: Inherited retinal dystrophy. Identifiers: Orphanet 71862, MedGen C0854723, MeSH D058499, MONDO:0019118, HP:0000556.
Retinitis pigmentosa 39 (RP39). Identifiers: Orphanet 791, MedGen C3151138, MONDO:0013436, OMIM 613809.
Usher syndrome type 2A. Also called: RETINAL DISEASE IN USHER SYNDROME TYPE IIA, MODIFIER OF; USHER SYNDROME, TYPE IIA. Identifiers: Orphanet 231178, Orphanet 886, MedGen C1848634, MONDO:0010169, OMIM 276901.
Retinitis pigmentosa (RP). Identifiers: Orphanet 791, MedGen C0035334, MeSH D012174, MONDO:0019200, OMIM 268000. Inheritance: Autosomal dominant, autosomal recessive and X linked inheritance.
Congenital sensorineural hearing impairment. Identifiers: MedGen C1865866, HP:0008527.
Hearing impairment. Also called: Impaired Hearing. Identifiers: MedGen C1384666, MONDO:0005365, HP:0000365.

Allele frequency attached by ClinVar (database versions not stated): gnomAD exomes 0.00009 and 0.00011; ExAC 0.00011; TOPMed 0.00011; gnomAD 0.00012 and 0.00013.
gnomAD v4.1: 175 of 1,613,968 alleles (0.011%); highest among the groups gnomAD compares: Non-Finnish European, 0.014%; 1 homozygote.

Submissions 1 to 15 of 43:

Genetics Laboratory, Great Ormond Street Hospital NHS Foundation Trust, North Thames Genomic Laboratory Hub
Classification: Pathogenic for Retinal disorders. Last evaluated: 2026-06-03. Review status: criteria provided, single submitter. Criteria: ACGS Best Practice Guidelines for Variant Classification in Rare Disease 2024 v1.2. Collection method: clinical testing. Allele origin: germline. Affected: yes.
Comment: PM2_supporting, PVS1_very-strong, PM3_moderate

Genetics Laboratory, Great Ormond Street Hospital NHS Foundation Trust, North Thames Genomic Laboratory Hub
Classification: Pathogenic for Monogenic hearing loss. Last evaluated: 2026-06-03. Review status: criteria provided, single submitter. Criteria: ACGS Best Practice Guidelines for Variant Classification in Rare Disease 2024 v1.2. Collection method: clinical testing. Allele origin: germline. Affected: yes.
Comment: the same text as in the submission from Genetics Laboratory, Great Ormond Street Hospital NHS Foundation Trust, North Thames Genomic Laboratory Hub above.

CeGaT Center for Human Genetics Tuebingen
Classification: Pathogenic. Last evaluated: 2026-06-01. Review status: criteria provided, single submitter. Criteria: CeGaT Center For Human Genetics Tuebingen Variant Classification Criteria Version 2. Collection method: clinical testing. Allele origin: germline. Affected: yes. Observed: 25 variant alleles.
Comment: USH2A: PM3:Very Strong, PVS1, PM2:Supporting

PreventionGenetics, part of Exact Sciences
Classification: Pathogenic for USH2A-related condition. Last evaluated: 2026-05-22. Review status: criteria provided, single submitter. Criteria: ACMG Guidelines, 2015. Collection method: clinical testing. Allele origin: germline.
Comment: The USH2A c.11864G>A variant is predicted to result in premature protein termination (p.Trp3955*). This variant has been reported many times in individuals with Usher syndrome and is noted to be one of the most common pathogenic variants in USH2A, being detected in ~22% of a cohort of patients (Bonnet et al. 2016. PubMed ID: 27460420; Lenarduzzi et al. 2015. PubMed ID: 25575603; Table S4, Stone et al. 2017. PubMed ID: 28559085). This variant is present in 0.025% of alleles in individuals of European (Non-Finnish) descent in gnomAD. Nonsense variants in USH2A are an established mechanism of disease. This variant is interpreted as pathogenic.

Labcorp Genetics (formerly Invitae), Labcorp
Classification: Pathogenic. Last evaluated: 2025-12-19. Review status: criteria provided, single submitter. Criteria: Invitae Variant Classification Sherloc (09022015). Collection method: clinical testing. Allele origin: germline.
Comment: This sequence change creates a premature translational stop signal (p.Trp3955*) in the USH2A gene. It is expected to result in an absent or disrupted protein product. Loss-of-function variants in USH2A are known to be pathogenic (PMID: 10729113, 10909849, 20507924, 25649381). This variant is present in population databases (rs111033364, gnomAD 0.02%), including at least one homozygous and/or hemizygous individual. This premature translational stop signal has been observed in individuals with Usher syndrome (PMID: 22135276, 25575603, 29293505). ClinVar contains an entry for this variant (Variation ID: 2357). For these reasons, this variant has been classified as Pathogenic.

Natera, Inc.
Classification: Pathogenic for Usher syndrome type 2A. Last evaluated: 2025-12-02. Review status: criteria provided, single submitter. Criteria: Natera Variant Classification Schema (03/2026). Collection method: clinical testing. Allele origin: germline.
Comment: The c.11864G>A variant in USH2A is a nonsense variant predicted to introduce a stop codon at amino acid 3955. This variant is expected to result in nonsense mediated decay, truncation, or a dysfunctional protein product. This variant is rare in the general population with a frequency below the threshold expected for the associated phenotype(s). This variant has been observed in one or more individuals affected with the associated recessive disease, as either homozygous or compound heterozygous with a second variant (PMID: 31387071). Given the available evidence, this variant is classified as Pathogenic.

3billion
Classification: Pathogenic for Usher syndrome type 2A. Last evaluated: 2025-09-03. Review status: criteria provided, single submitter. Criteria: ACMG Guidelines, 2015. Collection method: clinical testing. Allele origin: germline. Affected: yes.
Comment: The variant is observed at an extremely low frequency in the gnomAD v4.1.0 dataset (total allele frequency: 0.011%). Predicted Consequence/Location: Stop-gained (nonsense): predicted to result in a loss or disruption of normal protein function through nonsense-mediated decay (NMD) or protein truncation. Multiple pathogenic variants are reported downstream of the variant. The variant has been reported at least twice as pathogenic with clinical assertions and evidence for the classification (ClinVar ID: VCV000002357 /PMID: 15015129 /3billion dataset). Therefore, this variant is classified as Pathogenic according to the recommendation of ACMG/AMP guideline.

North West Genomic Laboratory Hub, Manchester University NHS Foundation Trust
Classification: Pathogenic for Retinal disorders; Monogenic hearing loss. Last evaluated: 2025-06-04. Review status: criteria provided, single submitter. Criteria: ACGS Best Practice Guidelines for Variant Classification in Rare Disease 2024. Collection method: clinical testing. Allele origin: germline. Affected: yes.
Comment: PM2_Supp PVS1_VStr PM3_Mod

Institute of Human Genetics, University of Leipzig Medical Center
Classification: Pathogenic for Usher syndrome type 2A. Last evaluated: 2025-03-04. Review status: criteria provided, single submitter. Criteria: ACMG Guidelines, 2015. Collection method: clinical testing. Allele origin: unknown. Inheritance: Autosomal recessive inheritance. Affected: yes.
Comment: Criteria applied: PVS1,PM3_VSTR; Identified as compund heterozygous with NM_206933.4:c.7524del

Blueprint Genetics
Classification: Pathogenic for USH2A-related disorders. Last evaluated: 2024-11-22. Review status: criteria provided, single submitter. Criteria: ACMG Guidelines, 2015. Collection method: clinical testing. Allele origin: germline. Affected: yes. Observed: 5 variant alleles.

Fulgent Genetics
Classification: Pathogenic for Usher syndrome type 2A; Retinitis pigmentosa 39. Last evaluated: 2024-04-18. Review status: criteria provided, single submitter. Criteria: ACMG Guidelines, 2015. Collection method: clinical testing. Allele origin: germline.

Baylor Genetics
Classification: Pathogenic for Retinitis pigmentosa 39. Last evaluated: 2024-03-20. Review status: criteria provided, single submitter. Criteria: ACMG Guidelines, 2015. Collection method: clinical testing. Allele origin: unknown.

Genome-Nilou Lab
Classification: Pathogenic for Retinitis pigmentosa 39. Last evaluated: 2023-11-04. Review status: criteria provided, single submitter. Criteria: ACMG Guidelines, 2015. Collection method: clinical testing. Allele origin: germline. Affected: no.

Genome-Nilou Lab
Classification: Pathogenic for Usher syndrome type 2A. Last evaluated: 2023-11-04. Review status: criteria provided, single submitter. Criteria: ACMG Guidelines, 2015. Collection method: clinical testing. Allele origin: germline. Affected: no.

Illumina Laboratory Services, Illumina
Classification: Pathogenic for Usher syndrome type 3A. Last evaluated: 2023-01-13. Review status: criteria provided, single submitter. Criteria: ICSLVariantClassificationCriteria RUGD 01 April 2020. Collection method: clinical testing. Allele origin: unknown.
Comment: The USH2A c.11864G>A (p.Trp3955Ter) nonsense variant results in the loss of normal protein function through either protein truncation or nonsense-mediated mRNA decay. The c.11864G>A variant is a founder variant in central European and is particularly common in the Slovenian population, where it has been estimated to account for over 80% disease-causing alleles among individuals with Usher syndrome type 2 (PMID: 27460420; PMID: 31817543). Across a selection of the available literature, the c.11864G>A variant is most commonly reported in association with Usher syndrome type 2, but has also been reported in individuals with non-syndromic retinitis pigmentosa (PMID: 15015129; PMID: 2564938; PMID: 27460420; PMID: 31817543). The highest frequency of this allele in the Genome Aggregation Database is 0.000279 in the European (non-Finnish) population, which includes one homozygote (version 3.1.2). Based on the available evidence, the c.11864G>A (p.Trp3955Ter) variant is classified as pathogenic for Usher syndrome type 2.

NM_206933.4(USH2A):c.11864G>A (p.Trp3955Ter)

Gene: USH2A (usherin; minus strand). Cytogenetic location: 1q41.
Variant type: single nucleotide variant.
Coding change: c.11864G>A on transcript NM_206933.4 (MANE Select); coding-DNA position 11864, G replaced by A.
Protein change: p.Trp3955Ter; replaces tryptophan 3955 with a stop codon.
Molecular consequence: nonsense.
Genome position (GRCh38, 1-based): chr1:215,728,232, C>T on the plus strand (G>A on the coding strand, the complement: USH2A is on the minus strand). VCF-style: chr1-215728232-C-T. GRCh37 (hg19) VCF-style: chr1-215901574-C-T.
Other names: short protein forms W3955*.
Identifiers: ClinVar variation 2357 (VCV000002357.103), dbSNP rs111033364, ClinGen allele CA252235.